The following is an entry in ClinVar:

ClinVar aggregate classification (germline): Uncertain significance. Review status: criteria provided, multiple submitters, no conflicts (2 of 4 stars). 3 submissions from 3 submitters: Uncertain significance (3). Last evaluated 2026-10-15.

Conditions:
Cardiovascular phenotype. Identifiers: MedGen CN230736.
Brugada syndrome. Also called: Sudden unexpected nocturnal death syndrome; Sudden Unexplained Nocturnal Death Syndrome (SUNDS); Sudden Unexplained Death Syndrome; Sudden unexplained nocturnal death syndrome. Identifiers: Orphanet 130, MedGen C1142166, MONDO:0015263.

Allele frequency attached by ClinVar (database versions not stated): ExAC 0.00002; gnomAD 0.00007 and 0.00009; gnomAD exomes below 0.00001 and 0.00001; TOPMed 0.00007.
gnomAD v4.1: 14 of 1,593,110 alleles (0.00088%); highest among the groups gnomAD compares: African/African-American, 0.019%; no homozygotes.

Submissions (3):

GeneDx
Classification: Uncertain significance. Last evaluated: 2026-10-15. Review status: criteria provided, single submitter. Criteria: GeneDx Variant Classification Process June 2021. Collection method: clinical testing. Allele origin: germline.
Comment: In silico analysis suggests that this missense variant does not alter protein structure/function; Has not been previously published as pathogenic or benign to our knowledge; Variants in candidate genes are classified as variants of uncertain significance in accordance with ACMG guidelines (PMID: 25741868)

Labcorp Genetics (formerly Invitae), Labcorp
Classification: Uncertain significance for Brugada syndrome. Last evaluated: 2025-02-28. Review status: criteria provided, single submitter. Criteria: Invitae Variant Classification Sherloc (09022015). Collection method: clinical testing. Allele origin: germline.
Comment: This sequence change replaces valine, which is neutral and non-polar, with leucine, which is neutral and non-polar, at codon 459 of the CACNA2D1 protein (p.Val459Leu). This variant is present in population databases (rs765696205, gnomAD 0.01%). This variant has not been reported in the literature in individuals affected with CACNA2D1-related conditions. ClinVar contains an entry for this variant (Variation ID: 424214). Experimental studies and prediction algorithms are not available or were not evaluated, and the functional significance of this variant is currently unknown. In summary, the available evidence is currently insufficient to determine the role of this variant in disease. Therefore, it has been classified as a Variant of Uncertain Significance.

Ambry Genetics
Classification: Uncertain significance for Cardiovascular phenotype. Last evaluated: 2024-03-13. Review status: criteria provided, single submitter. Criteria: Ambry Variant Classification Scheme 2023. Collection method: clinical testing. Allele origin: germline.
Comment: The p.V459L variant (also known as c.1375G>C), located in coding exon 16 of the CACNA2D1 gene, results from a G to C substitution at nucleotide position 1375. The valine at codon 459 is replaced by leucine, an amino acid with highly similar properties. This amino acid position is highly conserved in available vertebrate species. In addition, this alteration is predicted to be tolerated by in silico analysis. Since supporting evidence is limited at this time, the clinical significance of this alteration remains unclear.

NM_000722.4(CACNA2D1):c.1375G>C (p.Val459Leu)

Gene: CACNA2D1 (calcium voltage-gated channel auxiliary subunit alpha2delta 1; minus strand). Cytogenetic location: 7q21.11.
Variant type: single nucleotide variant.
Coding change: c.1375G>C on transcript NM_000722.4 (MANE Select); coding-DNA position 1375, G replaced by C.
Protein change: p.Val459Leu; replaces valine 459 with leucine.
Molecular consequence: missense variant.
Genome position (GRCh38, 1-based): chr7:82,007,744, C>G on the plus strand (G>C on the coding strand, the complement: CACNA2D1 is on the minus strand). VCF-style: chr7-82007744-C-G. GRCh37 (hg19) VCF-style: chr7-81637060-C-G.
Other names: c.1375G>C (LRG_437t1); c.1375G>C, p.Val459Leu (NM_001366867.1); short protein forms V459L.
Identifiers: ClinVar variation 424214 (VCV000424214.11), dbSNP rs765696205, ClinGen allele CA4318061.
Genomic context (GRCh38, chr7:82,007,744, plus strand): 5'-AGTTTGTCTTATTTTCAAATTGGCCGGTTATGTTGAAGACCGGAAGAGTTCCAGTAATGA[C>G]AAGTCCCAGTTCCTAAAAATAGATTCAGAGAGAAAGGGCAAATTAAAATTACAATTTAAG-3'
Protein context (NP_000713.2, residues 449-469): VYLDALELGL[Val459Leu]ITGTLPVFNI